The following is an entry in ClinVar:

ClinVar aggregate classification (germline): Conflicting classifications of pathogenicity. Review status: criteria provided, conflicting classifications (1 of 4 stars). 4 submissions from 4 submitters: Likely pathogenic (1); Uncertain significance (3). Last evaluated 2025-03-17.

Conditions:
Retinitis pigmentosa 73 (RP73). Identifiers: Orphanet 791, MedGen C4225287, MONDO:0014687, OMIM 616544.
Mucopolysaccharidosis, MPS-III-C (MPS3C). Also called: MUCOPOLYSACCHARIDOSIS, TYPE IIIC; SANFILIPPO SYNDROME C; Mucopolysaccharidosis type IIIC (Sanfilippo C); MPS IIIC (Sanfilippo Syndrome Type C); mucopolysaccharidosis type 3C; MPS III C. Identifiers: Orphanet 581, Orphanet 79271, MedGen C0086649, MONDO:0009657, OMIM 252930.

gnomAD v4.1: 9 of 1,613,938 alleles (0.00056%); highest among the groups gnomAD compares: Non-Finnish European, 0.00076%; no homozygotes.

Submissions (4):

Labcorp Genetics (formerly Invitae), Labcorp
Classification: Uncertain significance for Retinitis pigmentosa 73; Mucopolysaccharidosis, MPS-III-C. Last evaluated: 2025-03-17. Review status: criteria provided, single submitter. Criteria: Invitae Variant Classification Sherloc (09022015). Collection method: clinical testing. Allele origin: germline.
Comment: This sequence change replaces threonine, which is neutral and polar, with lysine, which is basic and polar, at codon 545 of the HGSNAT protein (p.Thr545Lys). This variant is present in population databases (rs377050184, gnomAD 0.0009%). This variant has not been reported in the literature in individuals affected with HGSNAT-related conditions. ClinVar contains an entry for this variant (Variation ID: 427177). Invitae Evidence Modeling of protein sequence and biophysical properties (such as structural, functional, and spatial information, amino acid conservation, physicochemical variation, residue mobility, and thermodynamic stability) has been performed for this missense variant. However, the output from this modeling did not meet the statistical confidence thresholds required to predict the impact of this variant on HGSNAT protein function. In summary, the available evidence is currently insufficient to determine the role of this variant in disease. Therefore, it has been classified as a Variant of Uncertain Significance.

Women's Health and Genetics/Laboratory Corporation of America, LabCorp
Classification: Uncertain significance. Last evaluated: 2024-07-18. Review status: criteria provided, single submitter. Criteria: LabCorp Variant Classification Summary - May 2015. Collection method: clinical testing. Allele origin: germline.
Comment: Variant summary: HGSNAT c.1634C>A (p.Thr545Lys) results in a non-conservative amino acid change in the encoded protein sequence. Four of four in-silico tools predict a damaging effect of the variant on protein function. The variant allele was found at a frequency of 4e-06 in 249202 control chromosomes. The available data on variant occurrences in the general population are insufficient to allow any conclusion about variant significance. To our knowledge, no occurrence of c.1634C>A in individuals affected with Mucopolysaccharidosis Type IIIC (Sanfilippo Syndrome C) and no experimental evidence demonstrating its impact on protein function have been reported. ClinVar contains an entry for this variant (Variation ID: 427177). Based on the evidence outlined above, the variant was classified as uncertain significance.

Blueprint Genetics
Classification: Uncertain significance. Last evaluated: 2024-06-12. Review status: criteria provided, single submitter. Criteria: ACMG Guidelines, 2015. Collection method: clinical testing. Allele origin: germline.

GeneDx
Classification: Likely pathogenic. Last evaluated: 2015-04-28. Review status: criteria provided, single submitter. Criteria: GeneDx Variant Classification (06012015). Collection method: clinical testing. Allele origin: germline. Affected: yes.
Comment: The T545K variant in the HGSNAT gene has not been published as a pathogenic variant, nor has it been reported as a benign polymorphism to our knowledge. The T545K variant was not observed in approximately 6100 individuals of European and African American ancestry in the NHLBI Exome Sequencing Project, indicating it is not a common benign variant in these populations. The T545K variant is a semi-conservative amino acid substitution, which may impact secondary protein structure as these residues differ in some properties. This substitution occurs at a position, in the helical transmembrane domain, that is conserved across species. Although, in silico analysis is inconsistent in its predictions as to whether or not the variant is damaging to the protein structure/function, missense variants in nearby residues (S539C and S541L) have been reported in the Human Gene Mutation Database in association with mucopolysaccharidosis IIIC (Stenson et al., 2014), supporting the functional importance of this region of the protein. The T545K variant is a strong candidate for a disease-causing variant, however the possibility it may be a rare benign variant cannot be excluded.

NM_152419.3(HGSNAT):c.1634C>A (p.Thr545Lys)

Gene: HGSNAT (heparan-alpha-glucosaminide N-acetyltransferase; plus strand). Cytogenetic location: 8p11.21.
Variant type: single nucleotide variant.
Coding change: c.1634C>A on transcript NM_152419.3 (MANE Select); coding-DNA position 1634, C replaced by A.
Protein change: p.Thr545Lys; replaces threonine 545 with lysine.
Molecular consequence: missense variant.
Genome position (GRCh38, 1-based): chr8:43,197,860, C>A. VCF-style: chr8-43197860-C-A. GRCh37 (hg19) VCF-style: chr8-43053003-C-A.
Other names: c.1721C>A, p.Thr574Lys (NM_001363227.2); c.1442C>A, p.Thr481Lys (NM_001363228.2); c.770C>A, p.Thr257Lys (NM_001363229.2); short protein forms T545K, T257K, T481K, T574K.
Identifiers: ClinVar variation 427177 (VCV000427177.8), dbSNP rs377050184, ClinGen allele CA4736988.
Genomic context (GRCh38, chr8:43,197,860, plus strand): 5'-TTCCGTACGAGCACTGAAACGTCTCCTCCACCCCTCCCAGGTCCCTTTCGTATGTCACTA[C>A]GCTCAGTTCTTTTGCCTTCTTCATCCTGCTGGTCCTGTACCCAGTTGTGGATGTGAAGGG-3'
Protein context (NP_689632.2, residues 535-555): KNLWSLSYVT[Thr545Lys]LSSFAFFILL